The following is an entry in ClinVar:

NM_005481.3(MED16):c.981C>T (p.Pro327=)

Gene: MED16 (mediator complex subunit 16; minus strand). Cytogenetic location: 19p13.3.
Variant type: single nucleotide variant.
Coding change: c.981C>T on transcript NM_005481.3 (MANE Select); coding-DNA position 981, C replaced by T.
Protein change: p.Pro327=; no amino-acid change (proline 327 retained).
Molecular consequence: synonymous variant.
Genome position (GRCh38, 1-based): chr19:884,907, G>A on the plus strand (C>T on the coding strand, the complement: MED16 is on the minus strand). VCF-style: chr19-884907-G-A. GRCh37 (hg19) VCF-style: chr19-884907-G-A.
Identifiers: ClinVar variation 2648876 (VCV002648876.24), dbSNP rs146721272, ClinGen allele CA9027786.

ClinVar aggregate classification (germline): Likely benign (1 of 4 stars; one submission).

Allele frequency attached by ClinVar (database versions not stated): ExAC 0.00040; ESP Exome Variant Server 0.00046; gnomAD 0.00016; TOPMed 0.00020; 1000 Genomes Project 30x 0.00031; 1000 Genomes Project 0.00040.
gnomAD v4.1: 344 of 1,605,544 alleles (0.021%); highest among the groups gnomAD compares: Middle Eastern, 0.05%; no homozygotes.

Submission:

CeGaT Center for Human Genetics Tuebingen
Classification: Likely benign. Last evaluated: 2023-02-01. Review status: criteria provided, single submitter. Criteria: CeGaT Center For Human Genetics Tuebingen Variant Classification Criteria Version 2. Collection method: clinical testing. Allele origin: germline. Affected: yes. Observed: 1 variant allele.
Comment: MED16: BP4, BP7